The following is an entry in ClinVar:

ClinVar aggregate classification (germline): Likely pathogenic (1 of 4 stars; one submission).

Submission:

GeneDx
Classification: Likely pathogenic. Last evaluated: 2018-01-26. Review status: criteria provided, single submitter. Criteria: GeneDx Variant Classification (06012015). Collection method: clinical testing. Allele origin: germline. Affected: yes.
Comment: The c.1968dupT variant in the NPR2 gene has not been reported previously as a pathogenic variant nor as a benign variant, to our knowledge. The c.1968dupT variant causes a frameshift starting with codon Valine 657, changes this amino acid to a Cysteine residue, and creates a premature Stop codon at position 17 of the new reading frame, denoted p.Val657CysfsX17. This variant is predicted to cause loss of normal protein function either through protein truncation or nonsense-mediated mRNA decay. The c.1968dupT variant was not observed in approximately 6500 individuals of European and African American ancestry in the NHLBI Exome Sequencing Project, indicating it is not a common benign variant in these populations. The c.1968dupT variant is a strong candidate for a pathogenic variant, however the possibility it may be a rare benign variant cannot be excluded.

NM_003995.4(NPR2):c.1968dup (p.Val657fs)

Gene: NPR2 (natriuretic peptide receptor 2; plus strand). Cytogenetic location: 9p13.3.
Variant type: Duplication.
Coding change: c.1968dup on transcript NM_003995.4 (MANE Select); coding-DNA position 1968, one base duplicated (T; older notation c.1968dupT).
Protein change: p.Val657fs; shifts the reading frame from valine 657.
Molecular consequence: frameshift variant.
Genome position (GRCh38, 1-based): chr9:35,805,591, T duplicated; the last of 4 consecutive T bases (chr9:35,805,588-35,805,591); duplicating any one gives the same sequence. VCF-style (leftmost placement, unchanged base first): chr9-35805587-G-GT. GRCh37 (hg19) VCF-style: chr9-35805584-G-GT.
Other names: c.1977dup, p.Val660fs (NM_001378923.1); c.1968dupT (NM_003995.3); short protein forms V657fs, V660fs.
Identifiers: ClinVar variation 422550 (VCV000422550.2), dbSNP rs1554673888, ClinGen allele CA16618859.